The following is an entry in ClinVar:

ClinVar aggregate classification (germline): Uncertain significance (1 of 4 stars; one submission).

Conditions:
Inborn genetic diseases. Identifiers: MedGen C0950123, MeSH D030342.

Submission:

Ambry Genetics
Classification: Uncertain significance for Inborn genetic diseases. Last evaluated: 2026-08-11. Review status: criteria provided, single submitter. Criteria: Ambry Variant Classification Scheme 2023. Collection method: clinical testing. Allele origin: germline.
Comment: The p.K307E variant (also known as c.919A>G), located in coding exon 9 of the AKT1 gene, results from an A to G substitution at nucleotide position 919. The lysine at codon 307 is replaced by glutamic acid, an amino acid with similar properties. This amino acid position is conserved. In addition, the in silico prediction for this alteration is inconclusive. Based on the available evidence, the clinical significance of this variant remains unclear.

NM_001382430.1(AKT1):c.919A>G (p.Lys307Glu)

Gene: AKT1 (AKT serine/threonine kinase 1; minus strand). Cytogenetic location: 14q32.33.
Variant type: single nucleotide variant.
Coding change: c.919A>G on transcript NM_001382430.1 (MANE Select); coding-DNA position 919, A replaced by G.
Protein change: p.Lys307Glu; replaces lysine 307 with glutamic acid.
Molecular consequence: missense variant.
Genome position (GRCh38, 1-based): chr14:104,773,289, T>C on the plus strand (A>G on the coding strand, the complement: AKT1 is on the minus strand). VCF-style: chr14-104773289-T-C. GRCh37 (hg19) VCF-style: chr14-105239626-T-C.
Other names: c.919A>G, p.Lys307Glu (NM_001014431.2, NM_001014432.2, NM_001382431.1 and 3 more transcripts); short protein forms K307E.
Identifiers: ClinVar variation 5034422 (VCV005034422.1).